The following is an entry in ClinVar:

NM_002661.5(PLCG2):c.2831A>G (p.Lys944Arg)

Gene: PLCG2 (phospholipase C gamma 2; plus strand). Cytogenetic location: 16q23.3.
Variant type: single nucleotide variant.
Coding change: c.2831A>G on transcript NM_002661.5 (MANE Select); coding-DNA position 2831, A replaced by G.
Protein change: p.Lys944Arg; replaces lysine 944 with arginine.
Molecular consequence: missense variant.
Genome position (GRCh38, 1-based): chr16:81,934,520, A>G. VCF-style: chr16-81934520-A-G. GRCh37 (hg19) VCF-style: chr16-81968125-A-G.
Other names: short protein forms K944R.
Identifiers: ClinVar variation 1308090 (VCV001308090.5), dbSNP rs777208551, ClinGen allele CA8194438.

ClinVar aggregate classification (germline): Uncertain significance. Review status: criteria provided, multiple submitters, no conflicts (2 of 4 stars). 2 submissions from 2 submitters: Uncertain significance (2). Last evaluated 2023-05-20.

Conditions:
Familial cold autoinflammatory syndrome 3 (FCAS3). Also called: FAMILIAL ATYPICAL COLD URTICARIA; ANTIBODY DEFICIENCY AND IMMUNE DYSREGULATION, PLCG2-ASSOCIATED. Identifiers: Orphanet 300359, MedGen C3280914, MONDO:0013766, OMIM 614468.

Allele frequency attached by ClinVar (database versions not stated): gnomAD exomes 0.00001 and 0.00002; ExAC 0.00003.
gnomAD v4.1: 14 of 1,599,418 alleles (0.00088%); highest among the groups gnomAD compares: African/African-American, 0.0013%; no homozygotes.

Submissions (2):

Labcorp Genetics (formerly Invitae), Labcorp
Classification: Uncertain significance for Familial cold autoinflammatory syndrome 3. Last evaluated: 2023-05-20. Review status: criteria provided, single submitter. Criteria: Invitae Variant Classification Sherloc (09022015). Collection method: clinical testing. Allele origin: germline.
Comment: In summary, the available evidence is currently insufficient to determine the role of this variant in disease. Therefore, it has been classified as a Variant of Uncertain Significance. An algorithm developed to predict the effect of missense changes on protein structure and function (PolyPhen-2) suggests that this variant is likely to be disruptive. ClinVar contains an entry for this variant (Variation ID: 1308090). This variant has not been reported in the literature in individuals affected with PLCG2-related conditions. This variant is present in population databases (rs777208551, gnomAD 0.004%). This sequence change replaces lysine, which is basic and polar, with arginine, which is basic and polar, at codon 944 of the PLCG2 protein (p.Lys944Arg).

GeneDx
Classification: Uncertain significance. Last evaluated: 2019-08-27. Review status: criteria provided, single submitter. Criteria: GeneDx Variant Classification Process June 2021. Collection method: clinical testing. Allele origin: germline. Affected: yes.
Comment: In silico analysis, which includes protein predictors and evolutionary conservation, supports that this variant does not alter protein structure/function; Has not been previously published as pathogenic or benign to our knowledge